The following is an entry in ClinVar:

ClinVar aggregate classification (germline): Uncertain significance (1 of 4 stars; one submission).

Submission:

GeneDx
Classification: Uncertain significance. Last evaluated: 2025-01-23. Review status: criteria provided, single submitter. Criteria: GeneDx Variant Classification Process June 2021. Collection method: clinical testing. Allele origin: germline. Affected: yes.
Comment: Not observed at significant frequency in large population cohorts (gnomAD); In silico analysis supports that this missense variant has a deleterious effect on protein structure/function; Has not been previously published as pathogenic or benign to our knowledge

NM_002296.4(LBR):c.1350T>A (p.Asp450Glu)

Gene: LBR (lamin B receptor; minus strand). Cytogenetic location: 1q42.12.
Variant type: single nucleotide variant.
Coding change: c.1350T>A on transcript NM_002296.4 (MANE Select); coding-DNA position 1350, T replaced by A.
Protein change: p.Asp450Glu; replaces aspartic acid 450 with glutamic acid.
Molecular consequence: missense variant.
Genome position (GRCh38, 1-based): chr1:225,406,797, A>T on the plus strand (T>A on the coding strand, the complement: LBR is on the minus strand). VCF-style: chr1-225406797-A-T. GRCh37 (hg19) VCF-style: chr1-225594499-A-T.
Other names: c.1350T>A, p.Asp450Glu (NM_194442.3); short protein forms D450E.
Identifiers: ClinVar variation 4071851 (VCV004071851.1).